The following is an entry in ClinVar:

NM_152564.5(VPS13B):c.9330+2T>C

Gene: VPS13B (vacuolar protein sorting 13 homolog B; plus strand). Cytogenetic location: 8q22.2.
Variant type: single nucleotide variant.
Coding change: c.9330+2T>C on transcript NM_152564.5 (MANE Select); the canonical splice donor site of the intron after coding-DNA position 9330, T replaced by C.
Molecular consequence: splice donor variant.
Genome position (GRCh38, 1-based): chr8:99,823,980, T>C. VCF-style: chr8-99823980-T-C. GRCh37 (hg19) VCF-style: chr8-100836208-T-C.
Other names: c.9405+2T>C (NM_017890.5).
Identifiers: ClinVar variation 489267 (VCV000489267.5), dbSNP rs1554570388, ClinGen allele CA371780567.

ClinVar aggregate classification (germline): Likely pathogenic. Review status: criteria provided, multiple submitters, no conflicts (2 of 4 stars). 2 submissions from 2 submitters: Likely pathogenic (2). Last evaluated 2026-03-26.

Conditions:
Cohen syndrome (COH1). Also called: Cutis verticis gyrata, retinitis pigmentosa, and sensorineural deafness; PEPPER SYNDROME. Identifiers: Orphanet 193, MedGen C0265223, MONDO:0008999, OMIM 216550.

Allele frequency attached by ClinVar (database versions not stated): TOPMed below 0.00001.

Submissions (2):

GeneDx
Classification: Likely pathogenic. Last evaluated: 2026-03-26. Review status: criteria provided, single submitter. Criteria: GeneDx Variant Classification Process June 2021. Collection method: clinical testing. Allele origin: germline. Affected: yes.
Comment: Canonical splice site variant predicted to result in an in-frame loss of the adjacent exon in a gene for which loss of function is a known mechanism of disease; Not observed at significant frequency in large population cohorts (gnomAD); Has not been previously published in a peer-reviewed journal as pathogenic or benign to our knowledge; This variant is associated with the following publications: (PMID: Chen2025[PrePrint])

Labcorp Genetics (formerly Invitae), Labcorp
Classification: Likely pathogenic for Cohen syndrome. Last evaluated: 2025-09-21. Review status: criteria provided, single submitter. Criteria: Invitae Variant Classification Sherloc (09022015). Collection method: clinical testing. Allele origin: germline.
Comment: This sequence change affects a donor splice site in intron 51 of the VPS13B gene. It is expected to disrupt RNA splicing. Variants that disrupt the donor or acceptor splice site typically lead to a loss of protein function (PMID: 16199547), and loss-of-function variants in VPS13B are known to be pathogenic (PMID: 15141358, 16648375, 20461111). This variant is not present in population databases (gnomAD no frequency). This variant has not been reported in the literature in individuals affected with VPS13B-related conditions. ClinVar contains an entry for this variant (Variation ID: 489267). Algorithms developed to predict the effect of sequence changes on RNA splicing suggest that this variant may disrupt the consensus splice site. In summary, the currently available evidence indicates that the variant is pathogenic, but additional data are needed to prove that conclusively. Therefore, this variant has been classified as Likely Pathogenic.

Literature cited by the submitters: PubMed 16199547 (cited by Labcorp Genetics (formerly Invitae), Labcorp); PubMed 15141358 (cited by Labcorp Genetics (formerly Invitae), Labcorp); PubMed 16648375 (cited by Labcorp Genetics (formerly Invitae), Labcorp); PubMed 20461111 (cited by Labcorp Genetics (formerly Invitae), Labcorp).